The following is an entry in ClinVar:

NM_004287.5(GOSR2):c.506C>G (p.Ala169Gly)

Genes: LRRC37A2 (leucine rich repeat containing 37 member A2), GOSR2 (golgi SNAP receptor complex member 2; plus strand). Cytogenetic location: 17q21.32.
Variant type: single nucleotide variant.
Coding change: c.506C>G on transcript NM_004287.5 (MANE Select); coding-DNA position 506, C replaced by G.
Protein change: p.Ala169Gly; replaces alanine 169 with glycine.
Molecular consequence: missense variant. On other transcripts: non-coding transcript variant (3).
Genome position (GRCh38, 1-based): chr17:46,938,627, C>G. VCF-style: chr17-46938627-C-G. GRCh37 (hg19) VCF-style: chr17-45015993-C-G.
Other names: c.506C>G, p.Ala169Gly (NM_001321133.2, NM_054022.4); c.311C>G, p.Ala104Gly (NM_001321134.2); c.365C>G, p.Ala122Gly (NM_001330252.2); c.503C>G, p.Ala168Gly (NM_001353114.2); c.362C>G, p.Ala121Gly (NM_001353115.2, NM_001353116.2); c.452C>G, p.Ala151Gly (NM_001363851.2); short protein forms A151G, A169G, A121G, A168G, A104G, A122G.
Identifiers: ClinVar variation 1371686 (VCV001371686.6), dbSNP rs2088814830, ClinGen allele CA400018959.
Genomic context (GRCh38, chr17:46,938,627, plus strand): 5'-TTTGTTTTTTTTTCTGTTCTCTTCTGCCCCAGGGGACTCAGAAGAAGATCCTTGACATTG[C>G]CAACATGCTGGGCTTGTCCAACACAGTGATGCGGCTCATCGAGAAGCGGGCTTTCCAGGA-3'
Protein context (NP_004278.2, residues 159-179): KGTQKKILDI[Ala169Gly]NMLGLSNTVM

ClinVar aggregate classification (germline): Uncertain significance (1 of 4 stars; one submission).

Conditions:
Progressive myoclonic epilepsy. Also called: Progressive myoclonus epilepsy; Familial progressive myoclonic epilepsy; Myoclonic Epilepsies, Progressive; Myoclonus epilepsy. Identifiers: Orphanet 308, Orphanet 98261, MedGen C0751778, MONDO:0020074.

Submission:

Labcorp Genetics (formerly Invitae), Labcorp
Classification: Uncertain significance for Progressive myoclonic epilepsy. Last evaluated: 2022-02-10. Review status: criteria provided, single submitter. Criteria: Invitae Variant Classification Sherloc (09022015). Collection method: clinical testing. Allele origin: germline.
Comment: This sequence change replaces alanine, which is neutral and non-polar, with glycine, which is neutral and non-polar, at codon 169 of the GOSR2 protein (p.Ala169Gly). In summary, the available evidence is currently insufficient to determine the role of this variant in disease. Therefore, it has been classified as a Variant of Uncertain Significance. Algorithms developed to predict the effect of missense changes on protein structure and function (SIFT, PolyPhen-2, Align-GVGD) all suggest that this variant is likely to be tolerated. This variant has not been reported in the literature in individuals affected with GOSR2-related conditions. This variant is not present in population databases (gnomAD no frequency).